The following is an entry in ClinVar:

NM_005560.6(LAMA5):c.10281+5G>A

Gene: LAMA5 (laminin subunit alpha 5; minus strand). Cytogenetic location: 20q13.33.
Variant type: single nucleotide variant.
Coding change: c.10281+5G>A on transcript NM_005560.6 (MANE Select); 5 bases into the intron after coding-DNA position 10281, G replaced by A.
Molecular consequence: intron variant.
Genome position (GRCh38, 1-based): chr20:62,310,897, C>T on the plus strand (G>A on the coding strand, the complement: LAMA5 is on the minus strand). VCF-style: chr20-62310897-C-T. GRCh37 (hg19) VCF-style: chr20-60885953-C-T.
Identifiers: ClinVar variation 3537026 (VCV003537026.1).

ClinVar aggregate classification (germline): Uncertain significance (1 of 4 stars; one submission).

Conditions:
Inborn genetic diseases. Identifiers: MedGen C0950123, MeSH D030342.

gnomAD v4.1: 24 of 1,609,866 alleles (0.0015%); highest among the groups gnomAD compares: East Asian, 0.047%; no homozygotes.

Submission:

Ambry Genetics
Classification: Uncertain significance for Inborn genetic diseases. Last evaluated: 2024-08-02. Review status: criteria provided, single submitter. Criteria: Ambry Variant Classification Scheme 2023. Collection method: clinical testing. Allele origin: germline.
Comment: The c.10281+5G>A intronic alteration consists of a G to A substitution nucleotides after coding exon 74 in the LAMA5 gene. Based on insufficient or conflicting evidence, the clinical significance of this alteration remains unclear.